The following is an entry in ClinVar:

ClinVar aggregate classification (germline): Uncertain significance. Review status: criteria provided, multiple submitters, no conflicts (2 of 4 stars). 2 submissions from 2 submitters: Uncertain significance (2). Last evaluated 2025-03-20.

Conditions:
SCLT1-related disorder. Also called: SCLT1-related condition.

Allele frequency attached by ClinVar (database versions not stated): gnomAD exomes below 0.00001; ExAC 0.00001; gnomAD 0.00002.

Submissions (2):

PreventionGenetics, part of Exact Sciences
Classification: Uncertain significance for SCLT1-related condition. Last evaluated: 2025-03-20. Review status: criteria provided, single submitter. Criteria: ACMG Guidelines, 2015. Collection method: clinical testing. Allele origin: germline.
Comment: The SCLT1 c.1447_1464dup18 variant is predicted to result in an in-frame duplication (p.Glu483_Tyr488dup). To our knowledge, this variant has not been reported in the literature. This variant is reported in 0.0045% of alleles in individuals of European (Non-Finnish) descent in gnomAD. At this time, the clinical significance of this variant is uncertain due to the absence of conclusive functional and genetic evidence.

Labcorp Genetics (formerly Invitae), Labcorp
Classification: Uncertain significance. Last evaluated: 2024-01-22. Review status: criteria provided, single submitter. Criteria: Invitae Variant Classification Sherloc (09022015). Collection method: clinical testing. Allele origin: germline.
Comment: This variant, c.1447_1464dup, results in the insertion of 6 amino acid(s) of the SCLT1 protein (p.Glu483_Tyr488dup), but otherwise preserves the integrity of the reading frame. This variant is present in population databases (rs756956857, gnomAD 0.003%). This variant has not been reported in the literature in individuals affected with SCLT1-related conditions. ClinVar contains an entry for this variant (Variation ID: 2175794). In summary, the available evidence is currently insufficient to determine the role of this variant in disease. Therefore, it has been classified as a Variant of Uncertain Significance.

NM_144643.4(SCLT1):c.1447_1464dup (p.Tyr488_Gln489insGluGluIleSerArgTyr)

Gene: SCLT1 (sodium channel and clathrin linker 1; minus strand). Cytogenetic location: 4q28.2.
Variant type: Duplication.
Coding change: c.1447_1464dup on transcript NM_144643.4 (MANE Select); coding-DNA positions 1447 to 1464, 18 bases duplicated (GAAGAAATATCACGTTAC).
Protein change: p.Tyr488_Gln489insGluGluIleSerArgTyr.
Molecular consequence: inframe insertion.
Genome position (GRCh38, 1-based): chr4:128,943,164-128,943,181, GTAACGTGATATTTCTTC duplicated on the plus strand (GAAGAAATATCACGTTAC on the coding strand, the reverse complement: SCLT1 is on the minus strand). VCF-style (leftmost placement, unchanged base first): chr4-128943163-G-GGTAACGTGATATTTCTTC. GRCh37 (hg19) VCF-style: chr4-129864318-G-GGTAACGTGATATTTCTTC.
Other names: c.1447_1464dup18 (NM_144643.3).
Identifiers: ClinVar variation 2175794 (VCV002175794.4), dbSNP rs756956857, ClinGen allele CA3079605.